The following is an entry in ClinVar:

ClinVar aggregate classification (germline): Uncertain significance (1 of 4 stars; one submission).

gnomAD v4.1: 3 of 1,614,238 alleles (0.00019%); highest among the groups gnomAD compares: Non-Finnish European, 0.00025%; no homozygotes.

Submission:

GeneDx
Classification: Uncertain significance. Last evaluated: 2024-07-16. Review status: criteria provided, single submitter. Criteria: GeneDx Variant Classification Process June 2021. Collection method: clinical testing. Allele origin: germline. Affected: yes.
Comment: Not observed at significant frequency in large population cohorts (gnomAD); In silico analysis indicates that this missense variant does not alter protein structure/function; Has not been previously published as pathogenic or benign to our knowledge

NM_001098.3(ACO2):c.1246A>G (p.Ile416Val)

Gene: ACO2 (aconitase 2; plus strand). Cytogenetic location: 22q13.2.
Variant type: single nucleotide variant.
Coding change: c.1246A>G on transcript NM_001098.3 (MANE Select); coding-DNA position 1246, A replaced by G.
Protein change: p.Ile416Val; replaces isoleucine 416 with valine.
Molecular consequence: missense variant.
Genome position (GRCh38, 1-based): chr22:41,522,937, A>G. VCF-style: chr22-41522937-A-G. GRCh37 (hg19) VCF-style: chr22-41918941-A-G.
Other names: short protein forms I416V.
Identifiers: ClinVar variation 3573739 (VCV003573739.1).